The following is an entry in ClinVar:

NM_001618.4(PARP1):c.656T>C (p.Val219Ala)

Gene: PARP1 (poly(ADP-ribose) polymerase 1; minus strand). Cytogenetic location: 1q42.12.
Variant type: single nucleotide variant.
Coding change: c.656T>C on transcript NM_001618.4 (MANE Select); coding-DNA position 656, T replaced by C.
Protein change: p.Val219Ala; replaces valine 219 with alanine.
Molecular consequence: missense variant.
Genome position (GRCh38, 1-based): chr1:226,388,717, A>G on the plus strand (T>C on the coding strand, the complement: PARP1 is on the minus strand). VCF-style: chr1-226388717-A-G. GRCh37 (hg19) VCF-style: chr1-226576418-A-G.
Other names: short protein forms V219A.
Identifiers: ClinVar variation 3045973 (VCV003045973.2), dbSNP rs149927756, ClinGen allele CA1423079.

ClinVar aggregate classification (germline): Likely benign (0 of 4 stars; one submission).

Conditions:
PARP1-related disorder. Also called: PARP1-related condition.

Allele frequency attached by ClinVar (database versions not stated): gnomAD exomes 0.00011; ExAC 0.00035; 1000 Genomes Project 0.00060; 1000 Genomes Project 30x 0.00062; gnomAD 0.00109; TOPMed 0.00124; ESP Exome Variant Server 0.00146.
gnomAD v4.1: 324 of 1,614,068 alleles (0.02%); highest among the groups gnomAD compares: African/African-American, 0.4%; 1 homozygote.

Submission:

PreventionGenetics, part of Exact Sciences
Classification: Likely benign for PARP1-related condition. Last evaluated: 2020-12-11. Review status: no assertion criteria provided. Collection method: clinical testing. Allele origin: germline.
Comment: This variant is classified as likely benign based on ACMG/AMP sequence variant interpretation guidelines (Richards et al. 2015 PMID: 25741868, with internal and published modifications).